The following is an entry in ClinVar:

ClinVar aggregate classification (germline): Pathogenic (1 of 4 stars; one submission).

Conditions:
Neurofibromatosis, type 1 (NF1). Also called: Neurofibromatosis, type I; VON RECKLINGHAUSEN DISEASE; Peripheral type neurofibromatosis; NEUROFIBROMATOSIS, TYPE I, SOMATIC. Identifiers: Orphanet 636, MedGen C0027831, MONDO:0018975, OMIM 162200. Disease mechanism: loss of function.

Submission:

Labcorp Genetics (formerly Invitae), Labcorp
Classification: Pathogenic for Neurofibromatosis, type 1. Last evaluated: 2019-03-25. Review status: criteria provided, single submitter. Criteria: Invitae Variant Classification Sherloc (09022015). Collection method: clinical testing. Allele origin: germline.
Comment: This sequence change creates a premature translational stop signal (p.Asp301Glufs*10) in the NF1 gene. It is expected to result in an absent or disrupted protein product. For these reasons, this variant has been classified as Pathogenic. Loss-of-function variants in NF1 are known to be pathogenic (PMID: 10712197, 23913538). This variant has not been reported in the literature in individuals with NF1-related conditions. This variant is not present in population databases (ExAC no frequency).

Literature cited by the submitters: PubMed 10712197; PubMed 23913538.

NM_001042492.3(NF1):c.903_913del (p.Asp301fs)

Gene: NF1 (neurofibromin 1; plus strand). Cytogenetic location: 17q11.2.
Variant type: Deletion.
Coding change: c.903_913del on transcript NM_001042492.3 (MANE Select); coding-DNA positions 903 to 913, 11 bases deleted (CAGTCTACGAA).
Protein change: p.Asp301fs; shifts the reading frame from aspartic acid 301.
Molecular consequence: frameshift variant.
Genome position (GRCh38, 1-based): chr17:31,200,436-31,200,446, CAGTCTACGAA deleted; deleting any 11 consecutive bases within chr17:31,200,435-31,200,446 gives the same sequence; the c. name uses the placement nearest the transcript's 3' end. VCF-style (leftmost placement, unchanged base first): chr17-31200434-GACAGTCTACGA-G. GRCh37 (hg19) VCF-style: chr17-29527452-GACAGTCTACGA-G.
Other names: c.903_913delCAGTCTACGAA, p.Asp301Glufs (NM_000267.4); c.903_913del, p.Asp301fs (NM_001128147.3); short protein forms D301fs.
Identifiers: ClinVar variation 859342 (VCV000859342.6), dbSNP rs2066505751, ClinGen allele CA916080586.